The following is an entry in ClinVar:

NM_153603.4(COG7):c.318+5T>C

Gene: COG7 (component of oligomeric golgi complex 7; minus strand). Cytogenetic location: 16p12.2.
Variant type: single nucleotide variant.
Coding change: c.318+5T>C on transcript NM_153603.4 (MANE Select); 5 bases into the intron after coding-DNA position 318, T replaced by C.
Molecular consequence: intron variant.
Genome position (GRCh38, 1-based): chr16:23,445,808, A>G on the plus strand (T>C on the coding strand, the complement: COG7 is on the minus strand). VCF-style: chr16-23445808-A-G. GRCh37 (hg19) VCF-style: chr16-23457129-A-G.
Identifiers: ClinVar variation 2022000 (VCV002022000.4), dbSNP rs2506668865, ClinGen allele CA2580091230.

ClinVar aggregate classification (germline): Uncertain significance (1 of 4 stars; one submission).

Conditions:
COG7 congenital disorder of glycosylation (CDG2E). Also called: CDG IIe; CONGENITAL DISORDER OF GLYCOSYLATION, TYPE IIe. Identifiers: Orphanet 79333, MedGen C2931010, MONDO:0012118, OMIM 608779.

Submission:

Labcorp Genetics (formerly Invitae), Labcorp
Classification: Uncertain significance for COG7 congenital disorder of glycosylation. Last evaluated: 2022-08-05. Review status: criteria provided, single submitter. Criteria: Invitae Variant Classification Sherloc (09022015). Collection method: clinical testing. Allele origin: germline.
Comment: In summary, the available evidence is currently insufficient to determine the role of this variant in disease. Therefore, it has been classified as a Variant of Uncertain Significance. Variants that disrupt the consensus splice site are a relatively common cause of aberrant splicing (PMID: 17576681, 9536098). Algorithms developed to predict the effect of sequence changes on RNA splicing suggest that this variant is not likely to affect RNA splicing. This variant has not been reported in the literature in individuals affected with COG7-related conditions. This variant is not present in population databases (gnomAD no frequency). This sequence change falls in intron 2 of the COG7 gene. It does not directly change the encoded amino acid sequence of the COG7 protein. It affects a nucleotide within the consensus splice site.

Literature cited by the submitters: PubMed 17576681; PubMed 9536098.